The following is an entry in ClinVar:

NM_014494.4(TNRC6A):c.1733C>T (p.Ala578Val)

Gene: TNRC6A (trinucleotide repeat containing adaptor 6A; plus strand). Cytogenetic location: 16p12.1.
Variant type: single nucleotide variant.
Coding change: c.1733C>T on transcript NM_014494.4 (MANE Select); coding-DNA position 1733, C replaced by T.
Protein change: p.Ala578Val; replaces alanine 578 with valine.
Molecular consequence: missense variant.
Genome position (GRCh38, 1-based): chr16:24,790,375, C>T. VCF-style: chr16-24790375-C-T. GRCh37 (hg19) VCF-style: chr16-24801696-C-T.
Other names: c.1733C>T, p.Ala578Val (NM_001330520.3, NM_020847.1); c.1760C>T, p.Ala587Val (NM_001351850.2); c.1733C>T (NM_014494.2); short protein forms A578V, A587V.
Identifiers: ClinVar variation 3025604 (VCV003025604.23), dbSNP rs573474554, ClinGen allele CA7968605.

ClinVar aggregate classification (germline): Conflicting classifications of pathogenicity. Review status: criteria provided, conflicting classifications (1 of 4 stars). 2 submissions from 2 submitters: Uncertain significance (1); Likely benign (1). Last evaluated 2024-04-30.

gnomAD v4.1: 112 of 1,614,086 alleles (0.0069%); highest among the groups gnomAD compares: Middle Eastern, 0.016%; no homozygotes.

Submissions (2):

Ambry Genetics
Classification: Uncertain significance. Last evaluated: 2024-04-30. Review status: criteria provided, single submitter. Criteria: Ambry Variant Classification Scheme 2023. Collection method: clinical testing. Allele origin: germline.

CeGaT Center for Human Genetics Tuebingen
Classification: Likely benign. Last evaluated: 2024-02-01. Review status: criteria provided, single submitter. Criteria: CeGaT Center For Human Genetics Tuebingen Variant Classification Criteria Version 2. Collection method: clinical testing. Allele origin: germline. Affected: yes. Observed: 1 variant allele.
Comment: TNRC6A: BP4, BS1